The following is an entry in ClinVar:

NM_000140.5(FECH):c.40del (p.Ala14fs)

Genes: FECH (ferrochelatase; minus strand), LOC130062560 (ATAC-STARR-seq lymphoblastoid silent region 9481; plus strand). Cytogenetic location: 18q21.31.
Variant type: Deletion.
Coding change: c.40del on transcript NM_000140.5 (MANE Select); coding-DNA position 40, one base deleted (G; older notation c.40delG).
Protein change: p.Ala14fs; shifts the reading frame from alanine 14.
Molecular consequence: frameshift variant. On other transcripts: 5 prime UTR variant (1).
Genome position (GRCh38, 1-based): chr18:57,586,581, C deleted on the plus strand (G on the coding strand, the reverse complement: FECH is on the minus strand). VCF-style (leftmost placement, unchanged base first): chr18-57586580-GC-G. GRCh37 (hg19) VCF-style: chr18-55253812-GC-G.
Other names: c.40del, p.Ala14fs (NM_001012515.4, NM_001371094.1, NM_001374778.1); c.-287del (NM_001371095.1); c.40delG (NM_000140.3); short protein forms A14fs.
Identifiers: ClinVar variation 1805745 (VCV001805745.11), dbSNP rs1171981319, ClinGen allele CA630040008.

ClinVar aggregate classification (germline): Pathogenic. Review status: criteria provided, multiple submitters, no conflicts (2 of 4 stars). 3 submissions from 3 submitters: Pathogenic (3). Last evaluated 2026-02-12.

Conditions:
FECH-related disorder. Also called: FECH-related condition.
Protoporphyria, erythropoietic, 1 (EPP1). Also called: Erythropoietic Protoporphyria, Autosomal Recessive; FERROCHELATASE DEFICIENCY; HEME SYNTHETASE DEFICIENCY. Identifiers: Orphanet 79278, MedGen C4692546, MONDO:0008319, OMIM 177000.

Allele frequency attached by ClinVar (database versions not stated): TOPMed 0.00001; gnomAD exomes 0.00003.

Submissions (3):

PreventionGenetics, part of Exact Sciences
Classification: Pathogenic for FECH-related condition. Last evaluated: 2026-02-12. Review status: criteria provided, single submitter. Criteria: ACMG Guidelines, 2015. Collection method: clinical testing. Allele origin: germline.
Comment: The FECH c.40delG variant is predicted to result in a frameshift and premature protein termination (p.Ala14Profs*59). This variant was reported in the compound heterozygous state in multiple unrelated individuals with erythropoietic protoporphyria (Whatley et al. 2010. PubMed ID: 20105171; Balwani et al. 2013. PubMed ID: 23364466). This variant is reported in 0.0023% of alleles in individuals of European (Non-Finnish) descent in gnomAD. Frameshift variants in FECH are expected to be pathogenic. This variant is interpreted as pathogenic.

Labcorp Genetics (formerly Invitae), Labcorp
Classification: Pathogenic. Last evaluated: 2025-08-04. Review status: criteria provided, single submitter. Criteria: Invitae Variant Classification Sherloc (09022015). Collection method: clinical testing. Allele origin: germline.
Comment: This sequence change creates a premature translational stop signal (p.Ala14Profs*59) in the FECH gene. It is expected to result in an absent or disrupted protein product. Loss-of-function variants in FECH are known to be pathogenic (PMID: 20105171, 23016163, 23364466). This variant is present in population databases (no rsID available, gnomAD 0.002%). This premature translational stop signal has been observed in individual(s) with erythropoietic protoporphyria (PMID: 8242081). ClinVar contains an entry for this variant (Variation ID: 1805745). For these reasons, this variant has been classified as Pathogenic.

Victorian Clinical Genetics Services, Murdoch Childrens Research Institute
Classification: Pathogenic for Protoporphyria, erythropoietic, 1. Last evaluated: 2024-12-30. Review status: criteria provided, single submitter. Criteria: ACMG Guidelines, 2015. Collection method: clinical testing. Allele origin: germline. Affected: yes.
Comment: This variant is classified as Pathogenic. Evidence in support of pathogenic classification: Variant is predicted to cause nonsense-mediated decay (NMD) and loss of protein (premature termination codon is located at least 54 nucleotides upstream of the final exon-exon junction); Variant is present in gnomAD <0.01 for a recessive condition (1 heterozygote, 0 homozygotes); This variant has strong previous evidence of pathogenicity in unrelated individuals with erythropoietic protoporphyria (PMID: 20105171; PMID: 8242081); Other NMD predicted variants comparable to the one identified in this case have very strong previous evidence for pathogenicity (PMID: 20105171). Additional information: This variant is heterozygous; This gene is known to be associated with autosomal recessive disease. However, individuals with a single heterozygous FECH variant are reported to also manisfest the phenotype (PMID: 20105171); Loss-of-function is a known mechanism of disease for this gene and is associated with erythropoietic protoporphyria 1 (MIM#177000); Heterozygous variants in this gene are known to have reduced penetrance (OMIM).

Literature cited by the submitters: PubMed 20105171 (cited by Labcorp Genetics (formerly Invitae), Labcorp and Victorian Clinical Genetics Services, Murdoch Childrens Research Institute); PubMed 23016163 (cited by Labcorp Genetics (formerly Invitae), Labcorp); PubMed 23364466 (cited by Labcorp Genetics (formerly Invitae), Labcorp); PubMed 8242081 (cited by Labcorp Genetics (formerly Invitae), Labcorp and Victorian Clinical Genetics Services, Murdoch Childrens Research Institute).